The following is an entry in ClinVar:

ClinVar aggregate classification (germline): Likely benign. Review status: criteria provided, single submitter (1 of 4 stars). 2 submissions from 2 submitters: Likely benign (1). 1 of the submissions does not count toward it. Last evaluated 2023-09-01.

Conditions:
ZFHX4-related disorder. Also called: ZFHX4-related condition.

Allele frequency attached by ClinVar (database versions not stated): gnomAD 0.00021; ESP Exome Variant Server 0.00031; TOPMed 0.00032; ExAC 0.00057.
gnomAD v4.1: 539 of 1,573,646 alleles (0.034%); highest among the groups gnomAD compares: African/African-American, 0.05%; no homozygotes.

Submissions (2):

CeGaT Center for Human Genetics Tuebingen
Classification: Likely benign. Last evaluated: 2023-09-01. Review status: criteria provided, single submitter. Criteria: CeGaT Center For Human Genetics Tuebingen Variant Classification Criteria Version 2. Collection method: clinical testing. Allele origin: germline. Affected: yes. Observed: 1 variant allele.
Comment: ZFHX4: BP4, BP7

PreventionGenetics, part of Exact Sciences
Classification: Likely benign for ZFHX4-related condition. Last evaluated: 2019-09-18. Review status: no assertion criteria provided. Collection method: clinical testing. Allele origin: germline. Not counted in ClinVar's aggregate classification.
Comment: This variant is classified as likely benign based on ACMG/AMP sequence variant interpretation guidelines (Richards et al. 2015 PMID: 25741868, with internal and published modifications).

NM_024721.5(ZFHX4):c.5361C>T (p.His1787=)

Gene: ZFHX4 (zinc finger homeobox 4; plus strand). Cytogenetic location: 8q21.13.
Variant type: single nucleotide variant.
Coding change: c.5361C>T on transcript NM_024721.5 (MANE Select); coding-DNA position 5361, C replaced by T.
Protein change: p.His1787=; no amino-acid change (histidine 1787 retained).
Molecular consequence: synonymous variant.
Genome position (GRCh38, 1-based): chr8:76,852,282, C>T. VCF-style: chr8-76852282-C-T. GRCh37 (hg19) VCF-style: chr8-77764518-C-T.
Other names: c.5283C>T, p.His1761= (NM_001410934.1); c.5361C>T (NM_024721.4).
Identifiers: ClinVar variation 2658667 (VCV002658667.25), dbSNP rs372113584, ClinGen allele CA4787668.
Genomic context (GRCh38, chr8:76,852,282, plus strand): 5'-GACAGGAATGGCTGGCTCCTTGCTTGAAGACCTAAAGCAGCAGATTCAAACCCAACATCA[C>T]GTTGGTCAAACTCAACTCCAGATACTACAGCAACAAGCACAACAATACCAAGCCACACAG-3'
Protein context (NP_078997.4, residues 1777-1797): DLKQQIQTQH[His1787=]VGQTQLQILQ